The following is an entry in ClinVar:

ClinVar aggregate classification (germline): Benign/Likely benign. Review status: criteria provided, multiple submitters, no conflicts (2 of 4 stars). 7 submissions from 7 submitters: Benign (2); Likely benign (3). 2 of the submissions do not count toward it. Last evaluated 2026-04-01.

Conditions:
Granulomatous disease, chronic, autosomal recessive, cytochrome b-positive, type 3. Also called: GRANULOMATOUS DISEASE, CHRONIC, DUE TO NCF4 DEFICIENCY; Granulomatous disease, chronic, autosomal recessive, cytochrome b-positive, type III; CGD, AUTOSOMAL RECESSIVE CYTOCHROME b-POSITIVE, TYPE III; GRANULOMATOUS DISEASE, CHRONIC, AUTOSOMAL RECESSIVE, 3. Identifiers: Orphanet 379, MedGen C3151409, MONDO:0013507, OMIM 613960.

Allele frequency attached by ClinVar (database versions not stated): 1000 Genomes Project 30x 0.00047; 1000 Genomes Project 0.00060; TOPMed 0.00102; gnomAD 0.00125 and 0.00127; ESP Exome Variant Server 0.00138; gnomAD exomes 0.00183 and 0.00187; ExAC 0.00228.
gnomAD v4.1: 2,852 of 1,608,110 alleles (0.18%); highest among the groups gnomAD compares: Non-Finnish European, 0.2%; 7 homozygotes.

Submissions (7):

CeGaT Center for Human Genetics Tuebingen
Classification: Likely benign. Last evaluated: 2026-04-01. Review status: criteria provided, single submitter. Criteria: CeGaT Center For Human Genetics Tuebingen Variant Classification Criteria Version 2. Collection method: clinical testing. Allele origin: germline. Affected: yes. Observed: 2 variant alleles.
Comment: NCF4: BP4

Labcorp Genetics (formerly Invitae), Labcorp
Classification: Benign for Granulomatous disease, chronic, autosomal recessive, cytochrome b-positive, type 3. Last evaluated: 2026-02-04. Review status: criteria provided, single submitter. Criteria: Invitae Variant Classification Sherloc (09022015). Collection method: clinical testing. Allele origin: germline.

Blueprint Genetics
Classification: Likely benign. Last evaluated: 2024-11-08. Review status: criteria provided, single submitter. Criteria: ACMG Guidelines, 2015. Collection method: clinical testing. Allele origin: germline.

Women's Health and Genetics/Laboratory Corporation of America, LabCorp
Classification: Benign. Last evaluated: 2022-02-18. Review status: criteria provided, single submitter. Criteria: LabCorp Variant Classification Summary - May 2015. Collection method: clinical testing. Allele origin: germline.

Eurofins Ntd Llc (ga)
Classification: Likely benign. Last evaluated: 2016-06-23. Review status: criteria provided, single submitter. Criteria: EGL Classification Definitions 2015. Collection method: clinical testing. Allele origin: germline. Observed: 1 variant allele, 1 heterozygote.

Clinical Genetics DNA and cytogenetics Diagnostics Lab, Erasmus MC, Erasmus Medical Center
Classification: Likely benign. Review status: no assertion criteria provided. Collection method: clinical testing. Allele origin: germline. Affected: yes. Study: VKGL Data-share Consensus. Not counted in ClinVar's aggregate classification.

Genome Diagnostics Laboratory, University Medical Center Utrecht
Classification: Likely benign. Review status: no assertion criteria provided. Collection method: clinical testing. Allele origin: germline. Affected: yes. Study: VKGL Data-share Consensus. Not counted in ClinVar's aggregate classification.

NM_000631.5(NCF4):c.271+7G>A

Genes: NCF4 (neutrophil cytosolic factor 4; plus strand), NCF4-AS1 (NCF4 antisense RNA 1; minus strand). Cytogenetic location: 22q12.3.
Variant type: single nucleotide variant.
Coding change: c.271+7G>A on transcript NM_000631.5 (MANE Select); 7 bases into the intron after coding-DNA position 271, G replaced by A.
Molecular consequence: intron variant.
Genome position (GRCh38, 1-based): chr22:36,865,079, G>A. VCF-style: chr22-36865079-G-A. GRCh37 (hg19) VCF-style: chr22-37261121-G-A.
Other names: c.271+7G>A (NM_013416.4).
Identifiers: ClinVar variation 288902 (VCV000288902.43), dbSNP rs201881905, ClinGen allele CA10212906.